The following is an entry in ClinVar:

ClinVar aggregate classification (germline): Uncertain significance (1 of 4 stars; one submission).

Conditions:
Immunodeficiency 14 (IMD14A). Also called: ACTIVATED PI3K-DELTA SYNDROME 1; IMMUNODEFICIENCY 14A WITH LYMPHOPROLIFERATION, AUTOSOMAL DOMINANT; Activated PI3K Delta Syndrome Type 1 (APDS1); p110-DELTA-ACTIVATING MUTATION CAUSING SENESCENT T CELLS, LYMPHADENOPATHY, AND IMMUNODEFICIENCY. Identifiers: Orphanet 397596, Orphanet 693661, MedGen C5907821, MONDO:0014222, OMIM 615513.

Submission:

Labcorp Genetics (formerly Invitae), Labcorp
Classification: Uncertain significance for Activated PI3K-delta syndrome. Last evaluated: 2025-03-17. Review status: criteria provided, single submitter. Criteria: Invitae Variant Classification Sherloc (09022015). Collection method: clinical testing. Allele origin: germline.
Comment: This sequence change replaces valine, which is neutral and non-polar, with methionine, which is neutral and non-polar, at codon 616 of the PIK3CD protein (p.Val616Met). This variant is not present in population databases (gnomAD no frequency). This variant has not been reported in the literature in individuals affected with PIK3CD-related conditions. ClinVar contains an entry for this variant (Variation ID: 1035905). Invitae Evidence Modeling of protein sequence and biophysical properties (such as structural, functional, and spatial information, amino acid conservation, physicochemical variation, residue mobility, and thermodynamic stability) indicates that this missense variant is expected to disrupt PIK3CD protein function with a positive predictive value of 80%. In summary, the available evidence is currently insufficient to determine the role of this variant in disease. Therefore, it has been classified as a Variant of Uncertain Significance.

NM_005026.5(PIK3CD):c.1846G>A (p.Val616Met)

Gene: PIK3CD (phosphatidylinositol-4,5-bisphosphate 3-kinase catalytic subunit delta; plus strand). Cytogenetic location: 1p36.22.
Variant type: single nucleotide variant.
Coding change: c.1846G>A on transcript NM_005026.5 (MANE Select); coding-DNA position 1846, G replaced by A.
Protein change: p.Val616Met; replaces valine 616 with methionine.
Molecular consequence: missense variant.
Genome position (GRCh38, 1-based): chr1:9,721,478, G>A. VCF-style: chr1-9721478-G-A. GRCh37 (hg19) VCF-style: chr1-9781536-G-A.
Other names: c.1843G>A, p.Val615Met (NM_001350234.2); c.1759G>A, p.Val587Met (NM_001350235.1); short protein forms V587M, V616M, V615M.
Identifiers: ClinVar variation 1035905 (VCV001035905.9), dbSNP rs1648646851, ClinGen allele CA338304443.